The following is an entry in ClinVar:

ClinVar aggregate classification (germline): Uncertain significance. Review status: criteria provided, multiple submitters, no conflicts (2 of 4 stars). 4 submissions from 4 submitters: Uncertain significance (4). Last evaluated 2025-10-29.

Conditions:
Cardiovascular phenotype. Identifiers: MedGen CN230736.
Dilated cardiomyopathy 1C (CMD1C). Also called: Cardiomyopathy, dilated, 1C, with or without LVNC; CARDIOMYOPATHY, DILATED, 1C, WITH OR WITHOUT LEFT VENTRICULAR NONCOMPACTION. Identifiers: Orphanet 154, Orphanet 54260, MedGen C1832244, MONDO:0011094, OMIM 601493.
Myofibrillar myopathy 4. Also called: Zaspopathy (type). Identifiers: Orphanet 98912, MedGen C4721886, MONDO:0012277, OMIM 609452.

Allele frequency attached by ClinVar (database versions not stated): gnomAD exomes 0.00001; ExAC 0.00002.
gnomAD v4.1: 12 of 1,613,336 alleles (0.00074%); highest among the groups gnomAD compares: South Asian, 0.0099%; no homozygotes.

Submissions (4):

Labcorp Genetics (formerly Invitae), Labcorp
Classification: Uncertain significance for Myofibrillar myopathy 4. Last evaluated: 2025-10-29. Review status: criteria provided, single submitter. Criteria: Invitae Variant Classification Sherloc (09022015). Collection method: clinical testing. Allele origin: germline.
Comment: This sequence change replaces valine, which is neutral and non-polar, with methionine, which is neutral and non-polar, at codon 5 of the LDB3 protein (p.Val5Met). This variant is present in population databases (rs773170985, gnomAD 0.006%). This variant has not been reported in the literature in individuals affected with LDB3-related conditions. ClinVar contains an entry for this variant (Variation ID: 1308092). An algorithm developed to predict the effect of missense changes on protein structure and function (PolyPhen-2) suggests that this variant is likely to be disruptive. In summary, the available evidence is currently insufficient to determine the role of this variant in disease. Therefore, it has been classified as a Variant of Uncertain Significance.

Ambry Genetics
Classification: Uncertain significance for Cardiovascular phenotype. Last evaluated: 2023-03-18. Review status: criteria provided, single submitter. Criteria: Ambry Variant Classification Scheme 2023. Collection method: clinical testing. Allele origin: germline.
Comment: The p.V5M variant (also known as c.13G>A), located in coding exon 1 of the LDB3 gene, results from a G to A substitution at nucleotide position 13. The valine at codon 5 is replaced by methionine, an amino acid with highly similar properties. This amino acid position is conserved. In addition, this alteration is predicted to be deleterious by in silico analysis. Since supporting evidence is limited at this time, the clinical significance of this alteration remains unclear.

Fulgent Genetics
Classification: Uncertain significance for Dilated cardiomyopathy 1C; Myofibrillar myopathy 4. Last evaluated: 2021-07-29. Review status: criteria provided, single submitter. Criteria: ACMG Guidelines, 2015. Collection method: clinical testing. Allele origin: unknown.

GeneDx
Classification: Uncertain significance. Last evaluated: 2019-08-20. Review status: criteria provided, single submitter. Criteria: GeneDx Variant Classification Process June 2021. Collection method: clinical testing. Allele origin: germline. Affected: yes.
Comment: Not observed at a significant frequency in large population cohorts (Lek et al., 2016); In silico analysis, which includes protein predictors and evolutionary conservation, supports a deleterious effect; Has not been previously published as pathogenic or benign to our knowledge

NM_007078.3(LDB3):c.13G>A (p.Val5Met)

Gene: LDB3 (LIM domain binding 3; plus strand). Cytogenetic location: 10q23.2.
Variant type: single nucleotide variant.
Coding change: c.13G>A on transcript NM_007078.3 (MANE Select); coding-DNA position 13, G replaced by A.
Protein change: p.Val5Met; replaces valine 5 with methionine.
Molecular consequence: missense variant.
Genome position (GRCh38, 1-based): chr10:86,668,704, G>A. VCF-style: chr10-86668704-G-A. GRCh37 (hg19) VCF-style: chr10-88428461-G-A.
Other names: c.13G>A, p.Val5Met (NM_001080114.2, NM_001080115.2, NM_001080116.1 and 8 more transcripts); c.13G>A (NM_007078.2); short protein forms V5M.
Identifiers: ClinVar variation 1308092 (VCV001308092.10), dbSNP rs773170985, ClinGen allele CA5584562.